The following is an entry in ClinVar:

ClinVar aggregate classification (germline): Uncertain significance. Review status: criteria provided, multiple submitters, no conflicts (2 of 4 stars). 2 submissions from 2 submitters: Uncertain significance (2). Last evaluated 2025-08-07.

Conditions:
Inborn genetic diseases. Identifiers: MedGen C0950123, MeSH D030342.

Allele frequency attached by ClinVar (database versions not stated): gnomAD exomes 0.00011; ExAC 0.00020; gnomAD 0.00008; TOPMed 0.00008; ESP Exome Variant Server 0.00009.
gnomAD v4.1: 156 of 1,562,072 alleles (0.01%); highest among the groups gnomAD compares: African/African-American, 0.024%; no homozygotes.

Submissions (2):

Mayo Clinic Laboratories, Mayo Clinic
Classification: Uncertain significance. Last evaluated: 2025-08-07. Review status: criteria provided, single submitter. Criteria: ACMG Guidelines, 2015. Collection method: clinical testing. Allele origin: germline. Observed: 1 variant allele.
Comment: BP4_moderate

Ambry Genetics
Classification: Uncertain significance for Inborn genetic diseases. Last evaluated: 2023-01-10. Review status: criteria provided, single submitter. Criteria: Ambry Variant Classification Scheme 2023. Collection method: clinical testing. Allele origin: germline.
Comment: The c.5491G>A (p.A1831T) alteration is located in exon 30 (coding exon 30) of the CCDC88C gene. This alteration results from a G to A substitution at nucleotide position 5491, causing the alanine (A) at amino acid position 1831 to be replaced by a threonine (T). The p.A1831T alteration is predicted to be tolerated by in silico analysis. Based on insufficient or conflicting evidence, the clinical significance of this alteration remains unclear.

NM_001080414.4(CCDC88C):c.5491G>A (p.Ala1831Thr)

Gene: CCDC88C (coiled-coil and HOOK domain protein 88C; minus strand). Cytogenetic location: 14q32.11.
Variant type: single nucleotide variant.
Coding change: c.5491G>A on transcript NM_001080414.4 (MANE Select); coding-DNA position 5491, G replaced by A.
Protein change: p.Ala1831Thr; replaces alanine 1831 with threonine.
Molecular consequence: missense variant.
Genome position (GRCh38, 1-based): chr14:91,273,221, C>T on the plus strand (G>A on the coding strand, the complement: CCDC88C is on the minus strand). VCF-style: chr14-91273221-C-T. GRCh37 (hg19) VCF-style: chr14-91739565-C-T.
Other names: p.Ala1831Thr; short protein forms A1831T.
Identifiers: ClinVar variation 2230072 (VCV002230072.4), dbSNP rs373062767, ClinGen allele CA7308644.